The following is an entry in ClinVar:

NM_006904.7(PRKDC):c.3674A>G (p.Glu1225Gly)

Gene: PRKDC (protein kinase, DNA-activated, catalytic subunit; minus strand). Cytogenetic location: 8q11.21.
Variant type: single nucleotide variant.
Coding change: c.3674A>G on transcript NM_006904.7 (MANE Select); coding-DNA position 3674, A replaced by G.
Protein change: p.Glu1225Gly; replaces glutamic acid 1225 with glycine.
Molecular consequence: missense variant.
Genome position (GRCh38, 1-based): chr8:47,893,312, T>C on the plus strand (A>G on the coding strand, the complement: PRKDC is on the minus strand). VCF-style: chr8-47893312-T-C. GRCh37 (hg19) VCF-style: chr8-48805872-T-C.
Other names: c.3674A>G, p.Glu1225Gly (NM_001081640.2); short protein forms E1225G.
Identifiers: ClinVar variation 2449823 (VCV002449823.2), dbSNP rs753345761, ClinGen allele CA4741117.
Genomic context (GRCh38, chr8:47,893,312, plus strand): 5'-CGAAGGTACAAGAGGGTGGGCTGGGCCAGGATGCCCGAGGGCTGGCCACAGCCACCCCCC[T>C]CAAAGGTGTTGATGAGAAAAGAGACACCTTCTTCCTTGAGAACATCTTTCAGCCACAAAT-3'
Protein context (NP_008835.5, residues 1215-1235): EGVSFLINTF[Glu1225Gly]GGGCGQPSGI

ClinVar aggregate classification (germline): Uncertain significance (1 of 4 stars; one submission).

Allele frequency attached by ClinVar (database versions not stated): gnomAD exomes below 0.00001; ExAC 0.00001.
gnomAD v4.1: 2 of 1,603,170 alleles (0.00012%); highest among the groups gnomAD compares: South Asian, 0.0011%; no homozygotes.

Submission:

Ambry Genetics
Classification: Uncertain significance. Last evaluated: 2022-11-25. Review status: criteria provided, single submitter. Criteria: Ambry Variant Classification Scheme 2023. Collection method: clinical testing. Allele origin: germline.
Comment: The p.E1225G variant (also known as c.3674A>G), located in coding exon 31 of the PRKDC gene, results from an A to G substitution at nucleotide position 3674. The glutamic acid at codon 1225 is replaced by glycine, an amino acid with similar properties. This amino acid position is conserved. In addition, the in silico prediction for this alteration is inconclusive. Since supporting evidence is limited at this time, the clinical significance of this alteration remains unclear.